The following is an entry in ClinVar:

ClinVar aggregate classification (germline): Uncertain significance (1 of 4 stars; one submission).

Conditions:
Autoinflammatory-pancytopenia syndrome due to DNASE2 deficiency. Also called: Autoinflammatory-pancytopenia syndrome. Identifiers: MedGen C5676977, MONDO:0800132, OMIM 619858.

Submission:

Juno Genomics, Hangzhou Juno Genomics, Inc
Classification: Uncertain significance for Autoinflammatory-pancytopenia syndrome due to DNASE2 deficiency. Review status: criteria provided, single submitter. Criteria: ACMG Guidelines, 2015. Collection method: clinical testing. Allele origin: germline.
Comment: Absent from controls (or at extremely low frequency if recessive) in Genome Aggregation Database.

NM_001375.3(DNASE2):c.717C>G (p.Tyr239Ter)

Gene: DNASE2 (deoxyribonuclease 2, lysosomal; minus strand). Cytogenetic location: 19p13.13.
Variant type: single nucleotide variant.
Coding change: c.717C>G on transcript NM_001375.3 (MANE Select); coding-DNA position 717, C replaced by G.
Protein change: p.Tyr239Ter; replaces tyrosine 239 with a stop codon.
Molecular consequence: nonsense.
Genome position (GRCh38, 1-based): chr19:12,876,356, G>C on the plus strand (C>G on the coding strand, the complement: DNASE2 is on the minus strand). VCF-style: chr19-12876356-G-C. GRCh37 (hg19) VCF-style: chr19-12987170-G-C.
Other names: short protein forms Y239*.
Identifiers: ClinVar variation 5005928 (VCV005005928.2).
Genomic context (GRCh38, chr19:12,876,356, plus strand): 5'-AGTTTTGTGCCAGAACTGGACCTGCAGGTTGGTACCAAGGGCTGCTGCCAACCAGCCGGA[G>C]TACAGGTCTGCAAAGGATGGAGAGAGGGCACAGGTAGGGTCAGGGCCACTGCGAGGGAGT-3'